The following is an entry in ClinVar:

NM_002775.5(HTRA1):c.671del (p.Asn224fs)

Gene: HTRA1 (HtrA serine peptidase 1; plus strand). Cytogenetic location: 10q26.13.
Variant type: Deletion.
Coding change: c.671del on transcript NM_002775.5 (MANE Select); coding-DNA position 671, one base deleted (A; older notation c.671delA).
Protein change: p.Asn224fs; shifts the reading frame from asparagine 224.
Molecular consequence: frameshift variant.
Genome position (GRCh38, 1-based): chr10:122,489,520, A deleted; the last of 2 consecutive A bases (chr10:122,489,519-122,489,520); deleting either gives the same sequence. VCF-style (leftmost placement, unchanged base first): chr10-122489518-CA-C. GRCh37 (hg19) VCF-style: chr10-124249034-CA-C.
Other names: short protein forms N224fs.
Identifiers: ClinVar variation 1709968 (VCV001709968.2), dbSNP rs2497622964, ClinGen allele CA2580082433.

ClinVar aggregate classification (germline): Likely pathogenic (1 of 4 stars; one submission).

Conditions:
Cerebral arteriopathy, autosomal dominant, with subcortical infarcts and leukoencephalopathy, type 2 (CADASIL2). Identifiers: MedGen C4225211, MONDO:0014768, OMIM 616779.

Submission:

MGZ Medical Genetics Center
Classification: Likely pathogenic for Cerebral arteriopathy, autosomal dominant, with subcortical infarcts and leukoencephalopathy, type 2. Last evaluated: 2021-09-10. Review status: criteria provided, single submitter. Criteria: ACMG Guidelines, 2015. Collection method: clinical testing. Allele origin: germline. Affected: yes. Observed: 1 variant allele.
Comment: ACMG criteria applied: PVS1, PM2_SUP